The following continues an entry in ClinVar:

NM_033337.3(CAV3):c.277G>A (p.Ala93Thr)

ClinVar aggregate classification (germline): Conflicting classifications of pathogenicity. Pathogenic (6); Likely pathogenic (7); Uncertain significance (2).

Submissions 12 to 17 of 17:

MGZ Medical Genetics Center
Classification: Likely pathogenic for Rippling muscle disease 2. Last evaluated: 2021-12-21. Review status: criteria provided, single submitter. Criteria: ACMG Guidelines, 2015. Collection method: clinical testing. Allele origin: germline. Affected: yes. Observed: 1 variant allele.
Comment: ACMG criteria applied: PS3_MOD, PS4_MOD, PP1_MOD, PP3

Laboratory for Molecular Medicine, Mass General Brigham Personalized Medicine
Classification: Likely pathogenic for Inherited rippling muscle disease. Last evaluated: 2018-02-02. Review status: criteria provided, single submitter. Criteria: LMM Criteria. Collection method: clinical testing. Allele origin: germline. Inheritance: Autosomal recessive inheritance. Observed: 1 variant allele.
Comment: The p.Ala93Thr variant in CAV3 has been reported in the homozygous state in 3 in dividuals with clinical features of rippling muscle disease and segregated with disease in 1 affected family member (Kubisch 2003, Kubisch 2005, Jacobi 2010). I n one family, both heterozygous parents as well as a heterozygous sibling were m ildly affected. Another homozygous sibling reported no features but this was no t confirmed clinically (Jacobi 2010). This variant has been identified in 0.02% (25/126586) of European chromosomes by the Genome Aggregation Database (gnomAD; dbSNP rs28936686). Studies in patient muscle c ells show a reduction or absence of the CAV3 protein (Kubisch 2003, Kubisch 2005 ). This variant has also been reported in ClinVar (8285). In summary, although a dditional studies are required to fully establish its clinical significance, the p.Ala93Thr variant is likely pathogenic. ACMG/AMP Criteria applied: PS3_Moderat e, PP1_Moderate, PP3, PS4_Supporting (Richards 2015).

Eurofins Ntd Llc (ga)
Classification: Pathogenic. Last evaluated: 2017-07-12. Review status: criteria provided, single submitter. Criteria: EGL Classification Definitions 2015. Collection method: clinical testing. Allele origin: germline. Observed: 2 variant alleles, 2 heterozygotes.

Juno Genomics, Hangzhou Juno Genomics, Inc
Classification: Pathogenic for Hypertrophic cardiomyopathy 1; Creatine phosphokinase, elevated serum; Long QT syndrome 9; Distal myopathy, Tateyama type; Rippling muscle disease 2. Review status: criteria provided, single submitter. Criteria: ACMG Guidelines, 2015. Collection method: clinical testing. Allele origin: germline.
Comment: Absent from controls (or at extremely low frequency if recessive) in Genome Aggregation Database.;Multiple lines of computational evidence support a deleterious effect on the gene or gene product.;For recessive disorders, detected in trans with a pathogenic variant.;Co-segregation with disease in multiple affected family members.;The prevalence of the variant in affected individuals is significantly increased compared to the prevalence in controls.;Patient's phenotype or family history is highly specific for a disease with a single genetic etiology.

Leiden Muscular Dystrophy (CAV3)
No classification provided. Last evaluated: 2012-04-15. Review status: no classification provided. Collection method: curation. Allele origin: germline. Not counted in ClinVar's aggregate classification.

OMIM
Classification: Pathogenic for RIPPLING MUSCLE DISEASE 2, AUTOSOMAL RECESSIVE. Last evaluated: 2005-02-01. Review status: no assertion criteria provided. Collection method: literature only. Allele origin: germline. Not counted in ClinVar's aggregate classification.

Literature cited by the submitters: PubMed 12666119 (cited by 5 submitters); PubMed 15668980 (cited by 5 submitters); PubMed 19697367 (cited by 4 submitters); PubMed 27184587 (cited by Labcorp Genetics (formerly Invitae), Labcorp and Ambry Genetics); PubMed 25351510 (cited by Ambry Genetics); PubMed 30847666 (cited by Ambry Genetics); PubMed 32419263 (cited by Ambry Genetics); PubMed 36556183 (cited by Ambry Genetics); PubMed 24021552 (cited by Women's Health and Genetics/Laboratory Corporation of America, LabCorp); PubMed 26404900 (cited by Women's Health and Genetics/Laboratory Corporation of America, LabCorp); PubMed 32528171 (cited by Women's Health and Genetics/Laboratory Corporation of America, LabCorp); PubMed 15580566 (cited by OMIM).